The following is an entry in ClinVar:

ClinVar aggregate classification (germline): Uncertain significance (1 of 4 stars; one submission).

Conditions:
ADNP-related multiple congenital anomalies - intellectual disability - autism spectrum disorder. Also called: Helsmoortel-Van der Aa Syndrome; ADNP-Related Helsmoortel-Van der Aa Syndrome. Identifiers: Orphanet 404448, MedGen C4014538, MONDO:0014379, OMIM 615873. Disease mechanism: loss of function.

Allele frequency attached by ClinVar (database versions not stated): gnomAD exomes below 0.00001.
gnomAD v4.1: 1 of 1,614,204 alleles (0.000062%); highest among the groups gnomAD compares: Non-Finnish European, 0.000085%; no homozygotes.

Submission:

Victorian Clinical Genetics Services, Murdoch Childrens Research Institute
Classification: Uncertain significance for ADNP-related multiple congenital anomalies - intellectual disability - autism spectrum disorder. Last evaluated: 2023-07-16. Review status: criteria provided, single submitter. Criteria: ACMG Guidelines, 2015. Collection method: clinical testing. Allele origin: germline. Inheritance: Autosomal dominant inheritance. Affected: yes.
Comment: Based on the classification scheme VCGS_Germline_v1.3.4, this variant is classified as VUS-3C. Following criteria are met: 0102 - Loss of function is a known mechanism of disease in this gene and is associated with Helsmoortel-van der Aa syndrome (MIM#615873). However, dominant negative is also a suggested mechanism (GeneReviews, PMID:29911927). (I) 0107 - This gene is associated with autosomal dominant disease. (I) 0200 - Variant is predicted to result in a missense amino acid change from threonine to isoleucine. (I) 0251 - This variant is heterozygous. (I) 0301 - Variant is absent from gnomAD (both v2 and v3). (SP) 0309 - An alternative amino acid change at the same position has been observed in gnomAD (v2) (1 heterozygote, 0 homozygotes). (I) 0503 - Missense variant consistently predicted to be tolerated by multiple in silico tools or not conserved in placental mammals with a minor amino acid change. (SB) 0600 - Variant is located in the annotated ADNP_N domain (DECIPHER). (I) 0705 - No comparable missense variants have previous evidence for pathogenicity. (I) 0807 - This variant has no previous evidence of pathogenicity. (I) 0905 - No published segregation evidence has been identified for this variant. (I) 1007 - No published functional evidence has been identified for this variant. (I) 1208 - Inheritance information for this variant is not currently available in this individual. (I) Legend: (SP) - Supporting pathogenic, (I) - Information, (SB) - Supporting benign

Literature cited by the submitters: PubMed 29911927.

NM_001282531.3(ADNP):c.2153C>T (p.Thr718Ile)

Gene: ADNP (activity dependent neuroprotector homeobox; minus strand). Cytogenetic location: 20q13.13.
Variant type: single nucleotide variant.
Coding change: c.2153C>T on transcript NM_001282531.3 (MANE Select); coding-DNA position 2153, C replaced by T.
Protein change: p.Thr718Ile; replaces threonine 718 with isoleucine.
Molecular consequence: missense variant.
Genome position (GRCh38, 1-based): chr20:50,892,561, G>A on the plus strand (C>T on the coding strand, the complement: ADNP is on the minus strand). VCF-style: chr20-50892561-G-A. GRCh37 (hg19) VCF-style: chr20-49509098-G-A.
Other names: c.2153C>T, p.Thr718Ile (NM_001282532.2, NM_001347511.2, NM_015339.5 and 1 more transcripts); short protein forms T718I.
Identifiers: ClinVar variation 3254626 (VCV003254626.1), dbSNP rs2515580380.